The following is an entry in ClinVar:

ClinVar aggregate classification (germline): Uncertain significance (1 of 4 stars; one submission).

Conditions:
Familial hypocalciuric hypercalcemia (FHH). Also called: Familial benign hypercalcemia. Identifiers: Orphanet 405, MedGen C1809471, MONDO:0018458.
Autosomal dominant hypocalcemia 1 (HYPOC1). Also called: HYPOCALCEMIA, FAMILIAL. Identifiers: MedGen C3715128, MONDO:0011013, OMIM 601198.

Submission:

Labcorp Genetics (formerly Invitae), Labcorp
Classification: Uncertain significance for Familial hypocalciuric hypercalcemia; Autosomal dominant hypocalcemia 1. Last evaluated: 2024-12-23. Review status: criteria provided, single submitter. Criteria: Invitae Variant Classification Sherloc (09022015). Collection method: clinical testing. Allele origin: germline.
Comment: This sequence change replaces methionine, which is neutral and non-polar, with valine, which is neutral and non-polar, at codon 473 of the CASR protein (p.Met473Val). This variant is not present in population databases (gnomAD no frequency). This variant has not been reported in the literature in individuals affected with CASR-related conditions. ClinVar contains an entry for this variant (Variation ID: 1045690). An algorithm developed to predict the effect of missense changes on protein structure and function (PolyPhen-2) suggests that this variant is likely to be tolerated. In summary, the available evidence is currently insufficient to determine the role of this variant in disease. Therefore, it has been classified as a Variant of Uncertain Significance.

NM_000388.4(CASR):c.1417A>G (p.Met473Val)

Gene: CASR (calcium sensing receptor; plus strand). Cytogenetic location: 3q21.1.
Variant type: single nucleotide variant.
Coding change: c.1417A>G on transcript NM_000388.4 (MANE Select); coding-DNA position 1417, A replaced by G.
Protein change: p.Met473Val; replaces methionine 473 with valine.
Molecular consequence: missense variant.
Genome position (GRCh38, 1-based): chr3:122,275,851, A>G. VCF-style: chr3-122275851-A-G. GRCh37 (hg19) VCF-style: chr3-121994698-A-G.
Other names: c.1417A>G, p.Met473Val (NM_001178065.2); short protein forms M473V.
Identifiers: ClinVar variation 1045690 (VCV001045690.9), dbSNP rs2074811389, ClinGen allele CA354154926.